The following is an entry in ClinVar:

NM_001348716.2(KDM6B):c.1237_1241delinsTC (p.Val413_Glu414delinsSer)

Gene: KDM6B (lysine demethylase 6B; plus strand). Cytogenetic location: 17p13.1.
Variant type: Indel.
Coding change: c.1237_1241delinsTC on transcript NM_001348716.2 (MANE Select); coding-DNA positions 1237 to 1241, GTGGA replaced by TC.
Protein change: p.Val413_Glu414delinsSer.
Molecular consequence: inframe indel.
Genome position (GRCh38, 1-based): chr17:7,847,432-7,847,436, GTGGA replaced by TC. VCF-style: chr17-7847432-GTGGA-TC. GRCh37 (hg19) VCF-style: chr17-7750750-GTGGA-TC.
Other names: c.1237_1241delinsTC, p.Val413_Glu414delinsSer (NM_001080424.2).
Identifiers: ClinVar variation 1802050 (VCV001802050.1), dbSNP rs2544524015, ClinGen allele CA2580094843.

ClinVar aggregate classification (germline): Uncertain significance (1 of 4 stars; one submission).

Submission:

GeneDx
Classification: Uncertain significance. Last evaluated: 2022-06-03. Review status: criteria provided, single submitter. Criteria: GeneDx Variant Classification Process June 2021. Collection method: clinical testing. Allele origin: germline. Affected: yes.
Comment: Has not been previously published as pathogenic or benign to our knowledge; Not observed at significant frequency in large population cohorts (gnomAD); In-frame deletion of 2 amino acids and insertion of 1 amino acid in a non-repeat region; In silico analysis supports that this variant does not alter protein structure/function